The following is an entry in ClinVar:

NM_203446.3(SYNJ1):c.2597T>C (p.Ile866Thr)

Gene: SYNJ1 (synaptojanin 1; minus strand). Cytogenetic location: 21q22.11.
Variant type: single nucleotide variant.
Coding change: c.2597T>C on transcript NM_203446.3 (MANE Select); coding-DNA position 2597, T replaced by C.
Protein change: p.Ile866Thr; replaces isoleucine 866 with threonine.
Molecular consequence: missense variant.
Genome position (GRCh38, 1-based): chr21:32,656,885, A>G on the plus strand (T>C on the coding strand, the complement: SYNJ1 is on the minus strand). VCF-style: chr21-32656885-A-G. GRCh37 (hg19) VCF-style: chr21-34029195-A-G.
Other names: c.2597T>C, p.Ile866Thr (NM_001160302.2); c.2582T>C, p.Ile861Thr (NM_001160306.2); c.2714T>C, p.Ile905Thr (NM_003895.4); short protein forms I905T, I861T, I866T.
Identifiers: ClinVar variation 544554 (VCV000544554.8), dbSNP rs114053718, ClinGen allele CA10003616.
Genomic context (GRCh38, chr21:32,656,885, plus strand): 5'-ATTACTTCTTTATAAATGTTTTGCCTCTCTTCAGCTTCAACTTCAAATATATCTATATCA[A>G]TCAGGGCAACGACAGGCCTTAAGGCATAAAGGAAGATAGATGTATTAGAAATGTTTTTAA-3'
Protein context (NP_982271.3, residues 856-876): TSDHRPVVAL[Ile866Thr]DIDIFEVEAE

ClinVar aggregate classification (germline): Uncertain significance. Review status: criteria provided, multiple submitters, no conflicts (2 of 4 stars). 3 submissions from 3 submitters: Uncertain significance (3). Last evaluated 2024-06-24.

Conditions:
Inborn genetic diseases. Identifiers: MedGen C0950123, MeSH D030342.
Developmental and epileptic encephalopathy, 53. Also called: Epileptic encephalopathy, early infantile, 53. Identifiers: MedGen C4479313, MONDO:0033362, OMIM 617389.
Early-onset Parkinson disease 20. Also called: PARKINSON DISEASE 20, AUTOSOMAL RECESSIVE EARLY-ONSET. Identifiers: Orphanet 391411, MedGen C3809824, MONDO:0014233, OMIM 615530.

Allele frequency attached by ClinVar (database versions not stated): gnomAD exomes 0.00013; ExAC 0.00014; 1000 Genomes Project 30x 0.00016; gnomAD 0.00018 and 0.00021; 1000 Genomes Project 0.00020; TOPMed 0.00022; ESP Exome Variant Server 0.00023.
gnomAD v4.1: 131 of 1,614,186 alleles (0.0081%); highest among the groups gnomAD compares: African/African-American, 0.077%; 1 homozygote.

Submissions (3):

Blueprint Genetics
Classification: Uncertain significance. Last evaluated: 2024-06-24. Review status: criteria provided, single submitter. Criteria: ACMG Guidelines, 2015. Collection method: clinical testing. Allele origin: germline.

Labcorp Genetics (formerly Invitae), Labcorp
Classification: Uncertain significance for Developmental and epileptic encephalopathy, 53; Early-onset Parkinson disease 20. Last evaluated: 2022-09-12. Review status: criteria provided, single submitter. Criteria: Invitae Variant Classification Sherloc (09022015). Collection method: clinical testing. Allele origin: germline.
Comment: This sequence change replaces isoleucine, which is neutral and non-polar, with threonine, which is neutral and polar, at codon 905 of the SYNJ1 protein (p.Ile905Thr). This variant is present in population databases (rs114053718, gnomAD 0.07%). This variant has not been reported in the literature in individuals affected with SYNJ1-related conditions. ClinVar contains an entry for this variant (Variation ID: 544554). Advanced modeling of protein sequence and biophysical properties (such as structural, functional, and spatial information, amino acid conservation, physicochemical variation, residue mobility, and thermodynamic stability) performed at Invitae indicates that this missense variant is expected to disrupt SYNJ1 protein function. In summary, the available evidence is currently insufficient to determine the role of this variant in disease. Therefore, it has been classified as a Variant of Uncertain Significance.

Ambry Genetics
Classification: Uncertain significance for Inborn genetic diseases. Last evaluated: 2021-04-02. Review status: criteria provided, single submitter. Criteria: Ambry Variant Classification Scheme 2023. Collection method: clinical testing. Allele origin: germline.